The following is an entry in ClinVar:

NM_000222.3(KIT):c.1160G>A (p.Gly387Glu)

Gene: KIT (KIT proto-oncogene, receptor tyrosine kinase; plus strand). Cytogenetic location: 4q12.
Variant type: single nucleotide variant.
Coding change: c.1160G>A on transcript NM_000222.3 (MANE Select); coding-DNA position 1160, G replaced by A.
Protein change: p.Gly387Glu; replaces glycine 387 with glutamic acid.
Molecular consequence: missense variant.
Genome position (GRCh38, 1-based): chr4:54,709,468, G>A. VCF-style: chr4-54709468-G-A. GRCh37 (hg19) VCF-style: chr4-55575634-G-A.
Other names: c.1160G>A, p.Gly387Glu (NM_001093772.2, NM_001385285.1, NM_001385286.1); c.1163G>A, p.Gly388Glu (NM_001385284.1, NM_001385288.1, NM_001385290.1 and 1 more transcripts); short protein forms G387E, G388E.
Identifiers: ClinVar variation 3723316 (VCV003723316.2).
Genomic context (GRCh38, chr4:54,709,468, plus strand): 5'-TGTCTTTTCTTTGTAGATACGTAAGTGAACTTCATCTAACGAGATTAAAAGGCACCGAAG[G>A]AGGCACTTACACATTCCTAGTGTCCAATTCTGACGTCAATGCTGCCATAGCATTTAATGT-3'
Protein context (NP_000213.1, residues 377-397): LHLTRLKGTE[Gly387Glu]GTYTFLVSNS

ClinVar aggregate classification (germline): Uncertain significance (1 of 4 stars; one submission).

Conditions:
Gastrointestinal stromal tumor. Also called: Gastrointestinal stromal tumor, somatic; Gastrointestinal stroma tumor. Identifiers: Orphanet 44890, MedGen C0238198, MeSH D046152, MONDO:0011719, OMIM 606764, HP:0100723.

Submission:

Labcorp Genetics (formerly Invitae), Labcorp
Classification: Uncertain significance for Gastrointestinal stromal tumor. Last evaluated: 2024-10-20. Review status: criteria provided, single submitter. Criteria: Invitae Variant Classification Sherloc (09022015). Collection method: clinical testing. Allele origin: germline.
Comment: This sequence change replaces glycine, which is neutral and non-polar, with glutamic acid, which is acidic and polar, at codon 387 of the KIT protein (p.Gly387Glu). This variant is not present in population databases (gnomAD no frequency). This variant has not been reported in the literature in individuals affected with KIT-related conditions. An algorithm developed to predict the effect of missense changes on protein structure and function (PolyPhen-2) suggests that this variant is likely to be disruptive. In summary, the available evidence is currently insufficient to determine the role of this variant in disease. Therefore, it has been classified as a Variant of Uncertain Significance.